The following is an entry in ClinVar:

ClinVar aggregate classification (germline): Conflicting classifications of pathogenicity. Review status: criteria provided, conflicting classifications (1 of 4 stars). 4 submissions from 4 submitters: Uncertain significance (2); Likely benign (2). Last evaluated 2026-02-03.

Allele frequency attached by ClinVar (database versions not stated): ExAC 0.00004; gnomAD exomes 0.00006; gnomAD 0.00014.
gnomAD v4.1: 267 of 1,613,456 alleles (0.017%); highest among the groups gnomAD compares: Non-Finnish European, 0.022%; no homozygotes.

Submissions (4):

Labcorp Genetics (formerly Invitae), Labcorp
Classification: Likely benign. Last evaluated: 2026-02-03. Review status: criteria provided, single submitter. Criteria: Invitae Variant Classification Sherloc (09022015). Collection method: clinical testing. Allele origin: germline.

Women's Health and Genetics/Laboratory Corporation of America, LabCorp
Classification: Uncertain significance. Last evaluated: 2024-06-10. Review status: criteria provided, single submitter. Criteria: LabCorp Variant Classification Summary - May 2015. Collection method: clinical testing. Allele origin: germline.
Comment: Variant summary: ABCA1 c.1780G>A (p.Ala594Thr) results in a non-conservative amino acid change in the encoded protein sequence. Three of five in-silico tools predict a benign effect of the variant on protein function. The variant allele was found at a frequency of 5.6e-05 in 251444 control chromosomes (gnomAD). This frequency is not significantly higher than estimated for a pathogenic variant in ABCA1 causing Tangier Disease (5.6e-05 vs 0.0025), allowing no conclusion about variant significance. To our knowledge, no occurrence of c.1780G>A in individuals affected with Tangier Disease has been reported. At least one publication reports experimental evidence evaluating an impact on protein function, finding that the variant results in partial mislocalization and ~70% of normal cholesterol efflux activity. The following publication has been ascertained in the context of this evaluation (PMID: 23087442). ClinVar contains an entry for this variant (Variation ID: 1380396). Based on the evidence outlined above, the variant was classified as uncertain significance.

GeneDx
Classification: Uncertain significance. Last evaluated: 2022-02-28. Review status: criteria provided, single submitter. Criteria: GeneDx Variant Classification Process June 2021. Collection method: clinical testing. Allele origin: germline. Affected: yes.
Comment: Reported in the heterozygous state in one individual with low HDL-C (Sorrenson et al., 2013); In silico analysis supports that this missense variant does not alter protein structure/function; One functional analysis showed that p.(A594T) modifies ABCA1 location and reduces the cholesterol efflux (Sorrenson et al., 2013); however, additional studies are needed to validate the functional effect of this variant in vivo; This variant is associated with the following publications: (PMID: 23087442)

Laboratory for Molecular Medicine, Mass General Brigham Personalized Medicine
Classification: Likely benign. Last evaluated: 2020-09-04. Review status: criteria provided, single submitter. Criteria: ACMG Guidelines, 2015. Collection method: clinical testing. Allele origin: germline.
Comment: The p.Ala594Thr variant in ABCA1 is classified as likely benign because 9 mammals harbor a threonine (Thr) at this position, despite high nearby amino acid conservation. It has also been identified in 0.01% (19/128992) of European chromosomes by gnomAD. Although this variant has been previously reported in an individual with low HDL cholesterol and in vitro functional analysis suggested an impact on protein function (Sorrenson 2013 PMID 23087442), this evidence is not strong enough to establish a disease-causing role. ACMG/AMP Criteria applied: BP4_Strong

Literature cited by the submitters: PubMed 23087442 (cited by Women's Health and Genetics/Laboratory Corporation of America, LabCorp and Laboratory for Molecular Medicine, Mass General Brigham Personalized Medicine); PubMed 10431237 (cited by Laboratory for Molecular Medicine, Mass General Brigham Personalized Medicine); PubMed 18523221 (cited by Laboratory for Molecular Medicine, Mass General Brigham Personalized Medicine); PubMed 10533863 (cited by Laboratory for Molecular Medicine, Mass General Brigham Personalized Medicine); PubMed 25215231 (cited by Laboratory for Molecular Medicine, Mass General Brigham Personalized Medicine); PubMed 28245962 (cited by Laboratory for Molecular Medicine, Mass General Brigham Personalized Medicine).

NM_005502.4(ABCA1):c.1780G>A (p.Ala594Thr)

Gene: ABCA1 (ATP binding cassette subfamily A member 1; minus strand). Cytogenetic location: 9q31.1.
Variant type: single nucleotide variant.
Coding change: c.1780G>A on transcript NM_005502.4 (MANE Select); coding-DNA position 1780, G replaced by A.
Protein change: p.Ala594Thr; replaces alanine 594 with threonine.
Molecular consequence: missense variant.
Genome position (GRCh38, 1-based): chr9:104,831,037, C>T on the plus strand (G>A on the coding strand, the complement: ABCA1 is on the minus strand). VCF-style: chr9-104831037-C-T. GRCh37 (hg19) VCF-style: chr9-107593318-C-T.
Other names: short protein forms A594T.
Identifiers: ClinVar variation 1380396 (VCV001380396.11), dbSNP rs199655961, ClinGen allele CA5168905.